The following is an entry in ClinVar:

NM_001349206.2(LPIN1):c.928C>T (p.Leu310=)

Genes: LPIN1 (lipin 1; plus strand), LOC126806147 (CDK7 strongly-dependent group 2 enhancer GRCh37_chr2:11919054-11920253; plus strand). Cytogenetic location: 2p25.1.
Variant type: single nucleotide variant.
Coding change: c.928C>T on transcript NM_001349206.2 (MANE Select); coding-DNA position 928, C replaced by T.
Protein change: p.Leu310=; no amino-acid change (leucine 310 retained).
Molecular consequence: synonymous variant. On other transcripts: non-coding transcript variant (1).
Genome position (GRCh38, 1-based): chr2:11,779,616, C>T. VCF-style: chr2-11779616-C-T. GRCh37 (hg19) VCF-style: chr2-11919742-C-T.
Other names: c.838C>T, p.Leu280= (NM_001261427.3); c.1075C>T, p.Leu359= (NM_001261428.3); c.820C>T, p.Leu274= (NM_001349199.2, NM_001349200.2, NM_001349201.2 and 1 more transcripts); c.925C>T, p.Leu309= (NM_001349202.2, NM_001349203.2); c.928C>T, p.Leu310= (NM_001349204.2, NM_001349205.2); c.1018C>T, p.Leu340= (NM_001349207.2); c.967C>T, p.Leu323= (NM_001349208.2).
Identifiers: ClinVar variation 1304334 (VCV001304334.33), dbSNP rs757007907, ClinGen allele CA1533543.

ClinVar aggregate classification (germline): Conflicting classifications of pathogenicity. Review status: criteria provided, conflicting classifications (1 of 4 stars). 3 submissions from 3 submitters: Uncertain significance (1); Likely benign (2). Last evaluated 2025-12-01.

Allele frequency attached by ClinVar (database versions not stated): 1000 Genomes Project 30x 0.00016.
gnomAD v4.1: 166 of 1,614,128 alleles (0.01%); highest among the groups gnomAD compares: Middle Eastern, 0.017%; no homozygotes.

Submissions (3):

CeGaT Center for Human Genetics Tuebingen
Classification: Likely benign. Last evaluated: 2025-12-01. Review status: criteria provided, single submitter. Criteria: CeGaT Center For Human Genetics Tuebingen Variant Classification Criteria Version 2. Collection method: clinical testing. Allele origin: germline. Affected: yes. Observed: 2 variant alleles.
Comment: LPIN1: BP4, BP7

Labcorp Genetics (formerly Invitae), Labcorp
Classification: Likely benign. Last evaluated: 2025-09-06. Review status: criteria provided, single submitter. Criteria: Invitae Variant Classification Sherloc (09022015). Collection method: clinical testing. Allele origin: germline.

GeneDx
Classification: Uncertain significance. Last evaluated: 2018-11-08. Review status: criteria provided, single submitter. Criteria: GeneDx Variant Classification Process June 2021. Collection method: clinical testing. Allele origin: germline. Affected: yes.
Comment: Not observed at a significant frequency in large population cohorts (Lek et al., 2016); In silico analysis, which includes splice predictors and evolutionary conservation, supports that this variant does not alter protein structure/function; Has not been previously published as pathogenic or benign to our knowledge